The following is an entry in ClinVar:

NM_000257.4(MYH7):c.4747A>T (p.Met1583Leu)

Genes: MHRT (myosin heavy chain associated RNA transcript; plus strand), MYH7 (myosin heavy chain 7; minus strand), LOC126861897 (BRD4-independent group 4 enhancer GRCh37_chr14:23884455-23885654; plus strand). Cytogenetic location: 14q11.2.
Variant type: single nucleotide variant.
Coding change: c.4747A>T on transcript NM_000257.4 (MANE Select); coding-DNA position 4747, A replaced by T.
Protein change: p.Met1583Leu; replaces methionine 1583 with leucine.
Molecular consequence: missense variant. On other transcripts: non-coding transcript variant (1).
Genome position (GRCh38, 1-based): chr14:23,416,210, T>A on the plus strand (A>T on the coding strand, the complement: MYH7 is on the minus strand). VCF-style: chr14-23416210-T-A. GRCh37 (hg19) VCF-style: chr14-23885419-T-A.
Other names: c.4747A>T (LRG_384t1); short protein forms M1583L.
Identifiers: ClinVar variation 518774 (VCV000518774.14), dbSNP rs1466998230, ClinGen allele CA389037719.

ClinVar aggregate classification (germline): Uncertain significance. Review status: criteria provided, multiple submitters, no conflicts (2 of 4 stars). 2 submissions from 2 submitters: Uncertain significance (2). Last evaluated 2023-02-21.

Conditions:
Hypertrophic cardiomyopathy. Also called: HYPERTROPHIC MYOCARDIOPATHY. Identifiers: Orphanet 217569, MedGen C0007194, MeSH D002312, MONDO:0005045, HP:0001639.
Cardiovascular phenotype. Identifiers: MedGen CN230736.

Allele frequency attached by ClinVar (database versions not stated): gnomAD exomes below 0.00001.

Submissions (2):

Ambry Genetics
Classification: Uncertain significance for Cardiovascular phenotype. Last evaluated: 2023-02-21. Review status: criteria provided, single submitter. Criteria: Ambry Variant Classification Scheme 2023. Collection method: clinical testing. Allele origin: germline.
Comment: The p.M1583L variant (also known as c.4747A>T), located in coding exon 32 of the MYH7 gene, results from an A to T substitution at nucleotide position 4747. The methionine at codon 1583 is replaced by leucine, an amino acid with highly similar properties. his variant was detected in a cardiomyopathy/arrhythmia genetic testing cohort; however, clinical details were limited, and additional cardiac variants were detected in some cases (van Lint FHM et al. Neth Heart J, 2019 Jun;27:304-309). This amino acid position is well conserved in available vertebrate species. In addition, this alteration is predicted to be tolerated by in silico analysis. Since supporting evidence is limited at this time, the clinical significance of this alteration remains unclear.

Labcorp Genetics (formerly Invitae), Labcorp
Classification: Uncertain significance for Hypertrophic cardiomyopathy. Last evaluated: 2022-08-03. Review status: criteria provided, single submitter. Criteria: Invitae Variant Classification Sherloc (09022015). Collection method: clinical testing. Allele origin: germline.
Comment: In summary, the available evidence is currently insufficient to determine the role of this variant in disease. Therefore, it has been classified as a Variant of Uncertain Significance. Algorithms developed to predict the effect of missense changes on protein structure and function (SIFT, PolyPhen-2, Align-GVGD) all suggest that this variant is likely to be tolerated. ClinVar contains an entry for this variant (Variation ID: 518774). This missense change has been observed in individual(s) with hypertrophic cardiomyopathy (PMID: 30847666). This variant is present in population databases (no rsID available, gnomAD 0.0009%). This sequence change replaces methionine, which is neutral and non-polar, with leucine, which is neutral and non-polar, at codon 1583 of the MYH7 protein (p.Met1583Leu).

Literature cited by the submitters: PubMed 30847666 (cited by Ambry Genetics and Labcorp Genetics (formerly Invitae), Labcorp).